The following is an entry in ClinVar:

NM_030662.4(MAP2K2):c.553C>T (p.Arg185Ter)

Gene: MAP2K2 (mitogen-activated protein kinase kinase 2; minus strand). Cytogenetic location: 19p13.3.
Variant type: single nucleotide variant.
Coding change: c.553C>T on transcript NM_030662.4 (MANE Select); coding-DNA position 553, C replaced by T.
Protein change: p.Arg185Ter; replaces arginine 185 with a stop codon.
Molecular consequence: nonsense.
Genome position (GRCh38, 1-based): chr19:4,101,256, G>A on the plus strand (C>T on the coding strand, the complement: MAP2K2 is on the minus strand). VCF-style: chr19-4101256-G-A. GRCh37 (hg19) VCF-style: chr19-4101254-G-A.
Other names: short protein forms R185*.
Identifiers: ClinVar variation 837134 (VCV000837134.8), dbSNP rs1390219813, ClinGen allele CA403388966.

ClinVar aggregate classification (germline): Uncertain significance. Review status: criteria provided, multiple submitters, no conflicts (2 of 4 stars). 2 submissions from 2 submitters: Uncertain significance (2). Last evaluated 2025-10-26.

Conditions:
RASopathy. Also called: rasopathies; Noonan spectrum disorder. Identifiers: Orphanet 536391, MedGen C5555857, MONDO:0021060.
Cardiofaciocutaneous syndrome 4 (CFC4). Also called: MAP2K2-Related Cardiofaciocutaneous Syndrome. Identifiers: Orphanet 1340, MedGen C3809007, MONDO:0014114, OMIM 615280.

Allele frequency attached by ClinVar (database versions not stated): gnomAD 0.00001; TOPMed 0.00001.
gnomAD v4.1: 17 of 1,585,936 alleles (0.0011%); highest among the groups gnomAD compares: Non-Finnish European, 0.0014%; no homozygotes.

Submissions (2):

Labcorp Genetics (formerly Invitae), Labcorp
Classification: Uncertain significance for RASopathy. Last evaluated: 2025-10-26. Review status: criteria provided, single submitter. Criteria: Invitae Variant Classification Sherloc (09022015). Collection method: clinical testing. Allele origin: germline.
Comment: This sequence change creates a premature translational stop signal (p.Arg185*) in the MAP2K2 gene. It is expected to result in an absent or disrupted protein product. However, the current clinical and genetic evidence is not sufficient to establish whether loss-of-function variants in MAP2K2 cause disease. This variant is not present in population databases (gnomAD no frequency). This variant has not been reported in the literature in individuals affected with MAP2K2-related conditions. ClinVar contains an entry for this variant (Variation ID: 837134). In summary, the available evidence is currently insufficient to determine the role of this variant in disease. Therefore, it has been classified as a Variant of Uncertain Significance.

Fulgent Genetics
Classification: Uncertain significance for Cardiofaciocutaneous syndrome 4. Last evaluated: 2024-01-19. Review status: criteria provided, single submitter. Criteria: ACMG Guidelines, 2015. Collection method: clinical testing. Allele origin: germline.